The following is an entry in ClinVar:

NM_000228.2(LAMB3):c.957_958ins77 (p.?)

Gene: LAMB3 (laminin subunit beta 3; minus strand). Cytogenetic location: 1q32.2.
Variant type: Insertion.
Coding change: c.957_958ins77 on transcript NM_000228.2; coding-DNA positions 957 to 958, an insertion.
Protein change: p.?.
Identifiers: ClinVar variation 21132 (VCV000021132.3).

ClinVar aggregate classification (germline): Pathogenic (0 of 4 stars; one submission).

Conditions:
Junctional epidermolysis bullosa gravis of Herlitz. Also called: EPIDERMOLYSIS BULLOSA JUNCTIONALIS, HERLITZ TYPE; EPIDERMOLYSIS BULLOSA, JUNCTIONAL, HERLITZ-PEARSON TYPE; EPIDERMOLYSIS BULLOSA, JUNCTIONAL 1B, SEVERE; JEB-HERLITZ TYPE; Herlitz-type junctional epidermolysis bullosa; Epidermolysis Bullosa Letalis. Identifiers: Orphanet 79404, MedGen C0079683, MONDO:0009182, OMIM 226700.

Submission:

GeneReviews
Classification: Pathogenic for Junctional Epidermolysis Bullosa. Last evaluated: 2008-02-22. Review status: no assertion criteria provided. Collection method: curation. Allele origin: unknown.
ClinVar note: Converted during submission from pathologic to Pathogenic.